The following is an entry in ClinVar:

NM_000052.7(ATP7A):c.2267T>G (p.Ile756Ser)

Gene: ATP7A (ATPase copper transporting alpha; plus strand). Cytogenetic location: Xq21.1.
Variant type: single nucleotide variant.
Coding change: c.2267T>G on transcript NM_000052.7 (MANE Select); coding-DNA position 2267, T replaced by G.
Protein change: p.Ile756Ser; replaces isoleucine 756 with serine.
Molecular consequence: missense variant. On other transcripts: intron variant (1).
Genome position (GRCh38, 1-based): chrX:78,012,973, T>G. VCF-style: chrX-78012973-T-G. GRCh37 (hg19) VCF-style: chrX-77268470-T-G.
Other names: c.2172+1299T>G (NM_001282224.2); short protein forms I756S.
Identifiers: ClinVar variation 3761489 (VCV003761489.2).

ClinVar aggregate classification (germline): Uncertain significance (1 of 4 stars; one submission).

Conditions:
Menkes kinky-hair syndrome (MNK). Also called: Copper transport disease; Menkes Disease; Classic Menkes Disease. Identifiers: Orphanet 565, MedGen C0022716, MONDO:0010651, OMIM 309400.
X-linked distal spinal muscular atrophy type 3. Also called: ATP7A-Related Distal Motor Neuropathy; SPINAL MUSCULAR ATROPHY, DISTAL, X-LINKED RECESSIVE; NEURONOPATHY, DISTAL HEREDITARY MOTOR, X-LINKED; NEUROPATHY, DISTAL HEREDITARY MOTOR, X-LINKED. Identifiers: Orphanet 139557, MedGen C1845359, MONDO:0010338, OMIM 300489.
Cutis laxa, X-linked (OHS). Also called: EDS IX; Occipital horn syndrome. Identifiers: Orphanet 198, MedGen C0268353, MONDO:0010572, OMIM 304150.

gnomAD v4.1: 3 of 1,211,313 alleles (0.00025%); highest among the groups gnomAD compares: Middle Eastern, 0.046%; no homozygotes.

Submission:

Labcorp Genetics (formerly Invitae), Labcorp
Classification: Uncertain significance for X-linked distal spinal muscular atrophy type 3; Cutis laxa, X-linked; Menkes kinky-hair syndrome. Last evaluated: 2025-07-13. Review status: criteria provided, single submitter. Criteria: Invitae Variant Classification Sherloc (09022015). Collection method: clinical testing. Allele origin: germline.
Comment: This sequence change replaces isoleucine, which is neutral and non-polar, with serine, which is neutral and polar, at codon 756 of the ATP7A protein (p.Ile756Ser). This variant is not present in population databases (gnomAD no frequency). This variant has not been reported in the literature in individuals affected with ATP7A-related conditions. ClinVar contains an entry for this variant (Variation ID: 3761489). Invitae Evidence Modeling of protein sequence and biophysical properties (such as structural, functional, and spatial information, amino acid conservation, physicochemical variation, residue mobility, and thermodynamic stability) indicates that this missense variant is not expected to disrupt ATP7A protein function with a negative predictive value of 95%. In summary, the available evidence is currently insufficient to determine the role of this variant in disease. Therefore, it has been classified as a Variant of Uncertain Significance.